The following is an entry in ClinVar:

NM_024580.6(EFL1):c.1040A>T (p.Gln347Leu)

Gene: EFL1 (elongation factor like GTPase 1; minus strand). Cytogenetic location: 15q25.2.
Variant type: single nucleotide variant.
Coding change: c.1040A>T on transcript NM_024580.6 (MANE Select); coding-DNA position 1040, A replaced by T.
Protein change: p.Gln347Leu; replaces glutamine 347 with leucine.
Molecular consequence: missense variant. On other transcripts: non-coding transcript variant (1).
Genome position (GRCh38, 1-based): chr15:82,228,220, T>A on the plus strand (A>T on the coding strand, the complement: EFL1 is on the minus strand). VCF-style: chr15-82228220-T-A. GRCh37 (hg19) VCF-style: chr15-82520561-T-A.
Other names: c.887A>T, p.Gln296Leu (NM_001040610.3); c.251A>T, p.Gln84Leu (NM_001322844.2); c.1040A>T, p.Gln347Leu (NM_001322845.2); short protein forms Q84L, Q296L, Q347L.
Identifiers: ClinVar variation 2051394 (VCV002051394.4), dbSNP rs2505490498, ClinGen allele CA393277390.

ClinVar aggregate classification (germline): Uncertain significance (1 of 4 stars; one submission).

Submission:

Labcorp Genetics (formerly Invitae), Labcorp
Classification: Uncertain significance. Last evaluated: 2021-12-21. Review status: criteria provided, single submitter. Criteria: Invitae Variant Classification Sherloc (09022015). Collection method: clinical testing. Allele origin: germline.
Comment: In summary, the available evidence is currently insufficient to determine the role of this variant in disease. Therefore, it has been classified as a Variant of Uncertain Significance. Algorithms developed to predict the effect of missense changes on protein structure and function are either unavailable or do not agree on the potential impact of this missense change (SIFT: "Deleterious"; PolyPhen-2: "Probably Damaging"; Align-GVGD: "Class C0"). This variant has not been reported in the literature in individuals affected with EFL1-related conditions. This variant is not present in population databases (gnomAD no frequency). This sequence change replaces glutamine, which is neutral and polar, with leucine, which is neutral and non-polar, at codon 347 of the EFL1 protein (p.Gln347Leu).